The following is an entry in ClinVar:

ClinVar aggregate classification (germline): Uncertain significance (1 of 4 stars; one submission).

Conditions:
Marfan syndrome (MFS). Also called: FBN1-Related Marfan Syndrome; MARFAN SYNDROME, TYPE I; Marfan syndrome type 1; Marfan's syndrome; Marfan syndrome, classic. Identifiers: Orphanet 284963, Orphanet 558, MedGen C0024796, MONDO:0007947, OMIM 154700.
Familial thoracic aortic aneurysm and aortic dissection (TAAD). Also called: Thoracic aortic aneurysms and dissections. Identifiers: Orphanet 91387, MedGen C4707243, MONDO:0019625.

Allele frequency attached by ClinVar (database versions not stated): gnomAD 0.00001; TOPMed 0.00001; gnomAD exomes below 0.00001.
gnomAD v4.1: 2 of 1,613,404 alleles (0.00012%); highest among the groups gnomAD compares: African/African-American, 0.0027%; no homozygotes.

Submission:

Labcorp Genetics (formerly Invitae), Labcorp
Classification: Uncertain significance for Marfan syndrome; Familial thoracic aortic aneurysm and aortic dissection. Last evaluated: 2021-02-23. Review status: criteria provided, single submitter. Criteria: Invitae Variant Classification Sherloc (09022015). Collection method: clinical testing. Allele origin: germline.
Comment: This sequence change replaces histidine with glutamine at codon 562 of the FBN1 protein (p.His562Gln). The histidine residue is moderately conserved and there is a small physicochemical difference between histidine and glutamine. This variant is not present in population databases (ExAC no frequency). In summary, the available evidence is currently insufficient to determine the role of this variant in disease. Therefore, it has been classified as a Variant of Uncertain Significance. This variant has been observed in individual(s) with clinical features of Marfan syndrome (Invitae). Algorithms developed to predict the effect of missense changes on protein structure and function (SIFT, PolyPhen-2, Align-GVGD) all suggest that this variant is likely to be tolerated, but these predictions have not been confirmed by published functional studies and their clinical significance is uncertain. Algorithms developed to predict the effect of sequence changes on RNA splicing suggest that this variant may create or strengthen a splice site, but this prediction has not been confirmed by published transcriptional studies.

NM_000138.5(FBN1):c.1686T>G (p.His562Gln)

Gene: FBN1 (fibrillin 1; minus strand). Cytogenetic location: 15q21.1.
Variant type: single nucleotide variant.
Coding change: c.1686T>G on transcript NM_000138.5 (MANE Select); coding-DNA position 1686, T replaced by G.
Protein change: p.His562Gln; replaces histidine 562 with glutamine.
Molecular consequence: missense variant.
Genome position (GRCh38, 1-based): chr15:48,510,072, A>C on the plus strand (T>G on the coding strand, the complement: FBN1 is on the minus strand). VCF-style: chr15-48510072-A-C. GRCh37 (hg19) VCF-style: chr15-48802269-A-C.
Other names: short protein forms H562Q.
Identifiers: ClinVar variation 1000504 (VCV001000504.9), dbSNP rs1220088131, ClinGen allele CA392340978.